The following is an entry in ClinVar:

ClinVar aggregate classification (germline): Uncertain significance (1 of 4 stars; one submission).

Conditions:
Biotin-responsive basal ganglia disease (BTBGD). Also called: THIAMINE METABOLISM DYSFUNCTION SYNDROME 2 (BIOTIN- AND THIAMINE-RESPONSIVE TYPE); Thiamine metabolism dysfunction syndrome type 2; Thiamine Transporter-2 Deficiency; Thiamine metabolism dysfunction syndrome 2 (biotin- or thiamine-responsive encephalopathy type 2); thiamine-responsive encephalopathy. Identifiers: Orphanet 199348, Orphanet 65284, MedGen C1843807, MONDO:0011841, OMIM 607483.

Allele frequency attached by ClinVar (database versions not stated): TOPMed below 0.00001; gnomAD 0.00001; ExAC 0.00005.

Submission:

Labcorp Genetics (formerly Invitae), Labcorp
Classification: Uncertain significance for Biotin-responsive basal ganglia disease. Last evaluated: 2022-10-25. Review status: criteria provided, single submitter. Criteria: Invitae Variant Classification Sherloc (09022015). Collection method: clinical testing. Allele origin: germline.
Comment: This sequence change replaces lysine, which is basic and polar, with glutamine, which is neutral and polar, at codon 208 of the SLC19A3 protein (p.Lys208Gln). This variant is present in population databases (rs770488061, gnomAD 0.03%). This variant has not been reported in the literature in individuals affected with SLC19A3-related conditions. ClinVar contains an entry for this variant (Variation ID: 1523743). Advanced modeling of protein sequence and biophysical properties (such as structural, functional, and spatial information, amino acid conservation, physicochemical variation, residue mobility, and thermodynamic stability) performed at Invitae indicates that this missense variant is not expected to disrupt SLC19A3 protein function. In summary, the available evidence is currently insufficient to determine the role of this variant in disease. Therefore, it has been classified as a Variant of Uncertain Significance.

NM_025243.4(SLC19A3):c.622A>C (p.Lys208Gln)

Gene: SLC19A3 (solute carrier family 19 member 3; minus strand). Cytogenetic location: 2q36.3.
Variant type: single nucleotide variant.
Coding change: c.622A>C on transcript NM_025243.4 (MANE Select); coding-DNA position 622, A replaced by C.
Protein change: p.Lys208Gln; replaces lysine 208 with glutamine.
Molecular consequence: missense variant.
Genome position (GRCh38, 1-based): chr2:227,699,093, T>G on the plus strand (A>C on the coding strand, the complement: SLC19A3 is on the minus strand). VCF-style: chr2-227699093-T-G. GRCh37 (hg19) VCF-style: chr2-228563809-T-G.
Other names: c.622A>C, p.Lys208Gln (NM_001371411.1, NM_001371412.1); c.610A>C, p.Lys204Gln (NM_001371413.1, NM_001371414.1); short protein forms K208Q, K204Q.
Identifiers: ClinVar variation 1523743 (VCV001523743.3), dbSNP rs770488061, ClinGen allele CA2149256.